The following is an entry in ClinVar:

ClinVar aggregate classification (germline): Pathogenic (1 of 4 stars; one submission).

Conditions:
Cerebral cavernous malformation 3. Also called: Familial Cerebral Cavernous Malformation 3. Identifiers: Orphanet 221061, MedGen C1864040, MONDO:0011305, OMIM 603285.

Submission:

Labcorp Genetics (formerly Invitae), Labcorp
Classification: Pathogenic for Cerebral cavernous malformation 3. Last evaluated: 2023-01-13. Review status: criteria provided, single submitter. Criteria: Invitae Variant Classification Sherloc (09022015). Collection method: clinical testing. Allele origin: germline.
Comment: This variant has not been reported in the literature in individuals affected with PDCD10-related conditions. For these reasons, this variant has been classified as Pathogenic. Algorithms developed to predict the effect of sequence changes on RNA splicing suggest that this variant may disrupt the consensus splice site. This variant is not present in population databases (gnomAD no frequency). This sequence change creates a premature translational stop signal (p.Ile131Argfs*3) in the PDCD10 gene. It is expected to result in an absent or disrupted protein product. Loss-of-function variants in PDCD10 are known to be pathogenic (PMID: 15543491, 18300272, 23801932).

Literature cited by the submitters: PubMed 15543491; PubMed 18300272; PubMed 23801932.

NM_007217.4(PDCD10):c.392_395del (p.Ile131fs)

Gene: PDCD10 (programmed cell death 10; minus strand). Cytogenetic location: 3q26.1.
Variant type: Deletion.
Coding change: c.392_395del on transcript NM_007217.4 (MANE Select); coding-DNA positions 392 to 395, 4 bases deleted (TCAA; older notation c.392_395delTCAA).
Protein change: p.Ile131fs; shifts the reading frame from isoleucine 131.
Molecular consequence: frameshift variant.
Genome position (GRCh38, 1-based): chr3:167,695,596-167,695,599, TTGA deleted on the plus strand (TCAA on the coding strand, the reverse complement: PDCD10 is on the minus strand); deleting any 4 consecutive bases within chr3:167,695,596-167,695,602 gives the same sequence; the c. name uses the placement nearest the transcript's 3' end. VCF-style (leftmost placement, unchanged base first): chr3-167695595-CTTGA-C. GRCh37 (hg19) VCF-style: chr3-167413383-CTTGA-C.
Other names: c.392_395del, p.Ile131fs (NM_145859.2, NM_145860.2); short protein forms I131fs.
Identifiers: ClinVar variation 2828235 (VCV002828235.3), dbSNP rs2475720222, ClinGen allele CA2739279374.